The following is an entry in ClinVar:

NM_000059.4(BRCA2):c.9493A>C (p.Thr3165Pro)

Gene: BRCA2 (BRCA2 DNA repair associated; plus strand). Cytogenetic location: 13q13.1.
Variant type: single nucleotide variant.
Coding change: c.9493A>C on transcript NM_000059.4 (MANE Select); coding-DNA position 9493, A replaced by C.
Protein change: p.Thr3165Pro; replaces threonine 3165 with proline.
Molecular consequence: missense variant. On other transcripts: non-coding transcript variant (1).
Genome position (GRCh38, 1-based): chr13:32,394,925, A>C. VCF-style: chr13-32394925-A-C. GRCh37 (hg19) VCF-style: chr13-32969062-A-C.
Other names: c.9493A>C, p.Thr3165Pro (NM_001432077.1); c.9397A>C, p.Thr3133Pro (NM_001406719.1); c.9442A>C, p.Thr3148Pro (NM_001406720.1); c.4561A>C, p.Thr1521Pro (NM_001406721.1); c.3076A>C, p.Thr1026Pro (NM_001406722.1); short protein forms T1026P, T1521P, T3133P, T3148P, T3165P.
Identifiers: ClinVar variation 4215820 (VCV004215820.1).
Genomic context (GRCh38, chr13:32,394,925, plus strand): 5'-GTGTTTTCTGCTAGTCCAAAAGAGGGCCACTTTCAAGAGACATTCAACAAAATGAAAAAT[A>C]CTGTTGAGGTAAGGTTACTTTTCAGCATCACCACACATTTTGGTATTTTTCTATTTTGAC-3'
Protein context (NP_000050.3, residues 3155-3175): FQETFNKMKN[Thr3165Pro]VENIDILCNE

ClinVar aggregate classification (germline): Uncertain significance (1 of 4 stars; one submission).

Conditions:
Hereditary cancer-predisposing syndrome. Also called: Hereditary Cancer Syndrome; Hereditary neoplastic syndrome; Neoplastic Syndromes, Hereditary; Tumor predisposition. Identifiers: Orphanet 140162, MedGen C0027672, MeSH D009386, MONDO:0015356.

Submission:

Ambry Genetics
Classification: Uncertain significance for Hereditary cancer-predisposing syndrome. Last evaluated: 2025-06-24. Review status: criteria provided, single submitter. Criteria: Ambry Variant Classification Scheme 2023. Collection method: clinical testing. Allele origin: germline.
Comment: The p.T3165P variant (also known as c.9493A>C), located in coding exon 24 of the BRCA2 gene, results from an A to C substitution at nucleotide position 9493. The threonine at codon 3165 is replaced by proline, an amino acid with highly similar properties. This amino acid position is conserved. In addition, the in silico prediction for this alteration is inconclusive. Based on the available evidence, the clinical significance of this variant remains unclear.